The following is an entry in ClinVar:

ClinVar aggregate classification (germline): Uncertain significance. Review status: criteria provided, multiple submitters, no conflicts (2 of 4 stars). 2 submissions from 2 submitters: Uncertain significance (2). Last evaluated 2024-12-10.

Conditions:
Fanconi anemia (FA). Also called: Fanconi's anemia. Identifiers: Orphanet 84, MedGen C0015625, MeSH D005199, MONDO:0019391.
Inborn genetic diseases. Identifiers: MedGen C0950123, MeSH D030342.

Allele frequency attached by ClinVar (database versions not stated): gnomAD exomes below 0.00001; ExAC 0.00001; TOPMed 0.00001; gnomAD 0.00003.
gnomAD v4.1: 6 of 1,612,040 alleles (0.00037%); highest among the groups gnomAD compares: African/African-American, 0.0067%; no homozygotes.

Submissions (2):

Ambry Genetics
Classification: Uncertain significance for Inborn genetic diseases. Last evaluated: 2024-12-10. Review status: criteria provided, single submitter. Criteria: Ambry Variant Classification Scheme 2023. Collection method: clinical testing. Allele origin: germline.
Comment: The p.E630D variant (also known as c.1890G>C), located in coding exon 21 of the FANCA gene, results from a G to C substitution at nucleotide position 1890. The glutamic acid at codon 630 is replaced by aspartic acid, an amino acid with highly similar properties. This amino acid position is conserved. In addition, this alteration is predicted to be tolerated by in silico analysis. Based on the available evidence, the clinical significance of this variant remains unclear.

Labcorp Genetics (formerly Invitae), Labcorp
Classification: Uncertain significance for Fanconi anemia. Last evaluated: 2022-05-20. Review status: criteria provided, single submitter. Criteria: Invitae Variant Classification Sherloc (09022015). Collection method: clinical testing. Allele origin: germline.
Comment: This sequence change replaces glutamic acid, which is acidic and polar, with aspartic acid, which is acidic and polar, at codon 630 of the FANCA protein (p.Glu630Asp). This variant is present in population databases (rs748122887, gnomAD 0.007%). This variant has not been reported in the literature in individuals affected with FANCA-related conditions. Advanced modeling of protein sequence and biophysical properties (such as structural, functional, and spatial information, amino acid conservation, physicochemical variation, residue mobility, and thermodynamic stability) performed at Invitae indicates that this missense variant is not expected to disrupt FANCA protein function. In summary, the available evidence is currently insufficient to determine the role of this variant in disease. Therefore, it has been classified as a Variant of Uncertain Significance.

NM_000135.4(FANCA):c.1890G>C (p.Glu630Asp)

Gene: FANCA (FA complementation group A; minus strand). Cytogenetic location: 16q24.3.
Variant type: single nucleotide variant.
Coding change: c.1890G>C on transcript NM_000135.4 (MANE Select); coding-DNA position 1890, G replaced by C.
Protein change: p.Glu630Asp; replaces glutamic acid 630 with aspartic acid.
Molecular consequence: missense variant.
Genome position (GRCh38, 1-based): chr16:89,775,752, C>G on the plus strand (G>C on the coding strand, the complement: FANCA is on the minus strand). VCF-style: chr16-89775752-C-G. GRCh37 (hg19) VCF-style: chr16-89842160-C-G.
Other names: c.1890G>C, p.Glu630Asp (NM_001286167.3); short protein forms E630D.
Identifiers: ClinVar variation 2079447 (VCV002079447.2), dbSNP rs748122887, ClinGen allele CA8251986.